The following is an entry in ClinVar:

ClinVar aggregate classification (germline): Uncertain significance. Review status: criteria provided, multiple submitters, no conflicts (2 of 4 stars). 2 submissions from 2 submitters: Uncertain significance (2). Last evaluated 2025-06-12.

Allele frequency attached by ClinVar (database versions not stated): gnomAD 0.00002; 1000 Genomes Project 30x 0.00031; TOPMed 0.00003; 1000 Genomes Project 0.00020.
gnomAD v4.1: 10 of 1,496,076 alleles (0.00067%); highest among the groups gnomAD compares: African/African-American, 0.0044%; no homozygotes.

Submissions (2):

Labcorp Genetics (formerly Invitae), Labcorp
Classification: Uncertain significance. Last evaluated: 2025-06-12. Review status: criteria provided, single submitter. Criteria: Invitae Variant Classification Sherloc (09022015). Collection method: clinical testing. Allele origin: germline.
Comment: This sequence change replaces asparagine, which is neutral and polar, with serine, which is neutral and polar, at codon 763 of the SYNPO protein (p.Asn763Ser). This variant is not present in population databases (gnomAD no frequency). This variant has not been reported in the literature in individuals affected with SYNPO-related conditions. ClinVar contains an entry for this variant (Variation ID: 3172853). An algorithm developed to predict the effect of missense changes on protein structure and function (PolyPhen-2) suggests that this variant is likely to be disruptive. In summary, the available evidence is currently insufficient to determine the role of this variant in disease. Therefore, it has been classified as a Variant of Uncertain Significance.

Ambry Genetics
Classification: Uncertain significance. Last evaluated: 2023-12-13. Review status: criteria provided, single submitter. Criteria: Ambry Variant Classification Scheme 2023. Collection method: clinical testing. Allele origin: germline.

NM_007286.6(SYNPO):c.2288A>G (p.Asn763Ser)

Gene: SYNPO (synaptopodin; plus strand). Cytogenetic location: 5q33.1.
Variant type: single nucleotide variant.
Coding change: c.2288A>G on transcript NM_007286.6 (MANE Select); coding-DNA position 2288, A replaced by G.
Protein change: p.Asn763Ser; replaces asparagine 763 with serine.
Molecular consequence: missense variant.
Genome position (GRCh38, 1-based): chr5:150,656,663, A>G. VCF-style: chr5-150656663-A-G. GRCh37 (hg19) VCF-style: chr5-150036225-A-G.
Other names: short protein forms N763S.
Identifiers: ClinVar variation 3172853 (VCV003172853.3), dbSNP rs557189036, ClinGen allele CA129155969.
Genomic context (GRCh38, chr5:150,656,663, plus strand): 5'-AGACCGAGGCGCGGCCCCCCAGCCGCCAGCTGCAGGCGCTTCTGGCGCGAAACATCATCA[A>G]TGCGGCCCGGCGCAAGAGCGCCTCCCCGCGGTCGGCGGGCGCCGAGAACCCGCGGCCCTT-3'
Protein context (NP_009217.3, residues 753-773): LQALLARNII[Asn763Ser]AARRKSASPR